The following is an entry in ClinVar:

NM_001364905.1(LRBA):c.1015-10dup

Gene: LRBA (LPS responsive beige-like anchor protein; minus strand). Cytogenetic location: 4q31.3.
Variant type: Duplication.
Coding change: c.1015-10dup on transcript NM_001364905.1 (MANE Select); 10 bases into the intron before coding-DNA position 1015, one base duplicated (T; older notation c.1015-10dupT).
Molecular consequence: intron variant.
Genome position (GRCh38, 1-based): chr4:150,914,351, A duplicated on the plus strand (T on the coding strand, the reverse complement: LRBA is on the minus strand); the first of 11 consecutive A bases (chr4:150,914,351-150,914,361); duplicating any one gives the same sequence. VCF-style (leftmost placement, unchanged base first): chr4-150914350-G-GA. GRCh37 (hg19) VCF-style: chr4-151835502-G-GA.
Other names: p.?; c.1015-10dupT (NM_006726.4); c.1015-10dup (NM_001367550.1, NM_006726.5, NM_001199282.3 and 2 more transcripts).
Identifiers: ClinVar variation 473164 (VCV000473164.14), dbSNP rs753223643, ClinGen allele CA3103684.

ClinVar aggregate classification (germline): Benign/Likely benign. Review status: criteria provided, multiple submitters, no conflicts (2 of 4 stars). 5 submissions from 5 submitters: Benign (2); Likely benign (1). 2 of the submissions do not count toward it. Last evaluated 2026-02-02.

Conditions:
Combined immunodeficiency due to LRBA deficiency. Also called: Common variable immunodeficiency 8, with autoimmunity. Identifiers: Orphanet 445018, MedGen C3553512, MONDO:0013863, OMIM 614700.

Submissions (5):

Labcorp Genetics (formerly Invitae), Labcorp
Classification: Benign for Combined immunodeficiency due to LRBA deficiency. Last evaluated: 2026-02-02. Review status: criteria provided, single submitter. Criteria: Invitae Variant Classification Sherloc (09022015). Collection method: clinical testing. Allele origin: germline.

Blueprint Genetics
Classification: Likely benign. Last evaluated: 2024-11-26. Review status: criteria provided, single submitter. Criteria: ACMG Guidelines, 2015. Collection method: clinical testing. Allele origin: germline.

Mayo Clinic Laboratories, Mayo Clinic
Classification: Benign. Last evaluated: 2023-08-29. Review status: criteria provided, single submitter. Criteria: ACMG Guidelines, 2015. Collection method: clinical testing. Allele origin: germline. Observed: 6 variant alleles.
Comment: BA1, BP4, BP7

Clinical Genetics DNA and cytogenetics Diagnostics Lab, Erasmus MC, Erasmus Medical Center
Classification: Benign. Review status: no assertion criteria provided. Collection method: clinical testing. Allele origin: germline. Affected: yes. Study: VKGL Data-share Consensus. Not counted in ClinVar's aggregate classification.

Genome Diagnostics Laboratory, University Medical Center Utrecht
Classification: Likely benign. Review status: no assertion criteria provided. Collection method: clinical testing. Allele origin: germline. Affected: yes. Study: VKGL Data-share Consensus. Not counted in ClinVar's aggregate classification.